The following is an entry in ClinVar:

ClinVar aggregate classification (germline): Uncertain significance (1 of 4 stars; one submission).

Submission:

GeneDx
Classification: Uncertain significance. Last evaluated: 2025-01-21. Review status: criteria provided, single submitter. Criteria: GeneDx Variant Classification Process June 2021. Collection method: clinical testing. Allele origin: germline. Affected: yes.
Comment: Not observed at significant frequency in large population cohorts (gnomAD); In silico analysis supports that this missense variant has a deleterious effect on protein structure/function; Has not been previously published as pathogenic or benign to our knowledge

NM_002576.5(PAK1):c.889G>T (p.Ala297Ser)

Gene: PAK1 (p21 (RAC1) activated kinase 1; minus strand). Cytogenetic location: 11q13.5.
Variant type: single nucleotide variant.
Coding change: c.889G>T on transcript NM_002576.5 (MANE Select); coding-DNA position 889, G replaced by T.
Protein change: p.Ala297Ser; replaces alanine 297 with serine.
Molecular consequence: missense variant. On other transcripts: non-coding transcript variant (2), intron variant (1).
Genome position (GRCh38, 1-based): chr11:77,343,928, C>A on the plus strand (G>T on the coding strand, the complement: PAK1 is on the minus strand). VCF-style: chr11-77343928-C-A. GRCh37 (hg19) VCF-style: chr11-77054973-C-A.
Other names: c.889G>T, p.Ala297Ser (NM_001128620.2, NM_001376268.1, NM_001376269.1 and 23 more transcripts); c.910G>T, p.Ala304Ser (NM_001376272.1); c.880G>T, p.Ala294Ser (NM_001376294.1); c.640G>T, p.Ala214Ser (NM_001376301.1); c.595G>T, p.Ala199Ser (NM_001376302.1, NM_001376304.1, NM_001376305.1); c.601G>T, p.Ala201Ser (NM_001376303.1); c.822-3165G>T (NM_001376295.1); short protein forms A199S, A201S, A214S, A294S, A297S, A304S.
Identifiers: ClinVar variation 4070841 (VCV004070841.1).
Genomic context (GRCh38, chr11:77,343,928, plus strand): 5'-GGATCTCATTAATAATCAGCTCTTTCTTGGGCTGCTGCTGAAGATTCATCTGCTTAATGG[C>A]CACCTGAAATCAAGAGTATATTCAATGTGCAACCATAGTCATTCCCATTTATTGAGCACC-3'
Protein context (NP_002567.3, residues 287-307): AMDVATGQEV[Ala297Ser]IKQMNLQQQP